The following is an entry in ClinVar:

ClinVar aggregate classification (germline): Uncertain significance (1 of 4 stars; one submission).

Conditions:
Ehlers-Danlos syndrome, classic type, 1 (EDSCL1). Also called: EHLERS-DANLOS SYNDROME, GRAVIS TYPE; EHLERS-DANLOS SYNDROME, SEVERE CLASSIC TYPE; Ehlers-Danlos syndrome, type 1; EDS I; Ehlers-Danlos Syndrome, Classic Type, COL5A1-Related. Identifiers: MedGen C0268335, MONDO:0019567, OMIM 130000.

Submission:

Labcorp Genetics (formerly Invitae), Labcorp
Classification: Uncertain significance for Ehlers-Danlos syndrome, classic type, 1. Last evaluated: 2021-01-31. Review status: criteria provided, single submitter. Criteria: Invitae Variant Classification Sherloc (09022015). Collection method: clinical testing. Allele origin: germline.
Comment: In summary, the available evidence is currently insufficient to determine the role of this variant in disease. Therefore, it has been classified as a Variant of Uncertain Significance. Experimental studies and prediction algorithms are not available or were not evaluated, and the functional significance of this variant is currently unknown. This variant has not been reported in the literature in individuals with COL5A1-related conditions. This variant is not present in population databases (ExAC no frequency). This variant, c.1239_1241del, results in the deletion of 1 amino acid(s) of the COL5A1 protein (p.Asp413del), but otherwise preserves the integrity of the reading frame.

NM_000093.5(COL5A1):c.1239_1241del (p.Asp413del)

Gene: COL5A1 (collagen type V alpha 1 chain; plus strand). Cytogenetic location: 9q34.3.
Variant type: Deletion.
Coding change: c.1239_1241del on transcript NM_000093.5 (MANE Select); coding-DNA positions 1239 to 1241, 3 bases deleted (CGA; older notation c.1239_1241delCGA).
Protein change: p.Asp413del; deletes aspartic acid 413.
Molecular consequence: inframe deletion.
Genome position (GRCh38, 1-based): chr9:134,731,570-134,731,572, CGA deleted; deleting any 3 consecutive bases within chr9:134,731,568-134,731,572 gives the same sequence; the c. name uses the placement nearest the transcript's 3' end. VCF-style (leftmost placement, unchanged base first): chr9-134731567-TGAC-T. GRCh37 (hg19) VCF-style: chr9-137623413-TGAC-T.
Other names: c.1239_1241del, p.Asp413del (NM_001278074.1); short protein forms D413del.
Identifiers: ClinVar variation 1368240 (VCV001368240.8), dbSNP rs2132642108, ClinGen allele CA2573144124.